The following is an entry in ClinVar:

ClinVar aggregate classification (germline): Uncertain significance (1 of 4 stars; one submission).

Allele frequency attached by ClinVar (database versions not stated): gnomAD exomes below 0.00001 and 0.00001; TOPMed below 0.00001; ExAC 0.00001; gnomAD 0.00001.
gnomAD v4.1: 22 of 1,613,374 alleles (0.0014%); highest among the groups gnomAD compares: Non-Finnish European, 0.0019%; no homozygotes.

Submission:

Labcorp Genetics (formerly Invitae), Labcorp
Classification: Uncertain significance. Last evaluated: 2025-01-29. Review status: criteria provided, single submitter. Criteria: Invitae Variant Classification Sherloc (09022015). Collection method: clinical testing. Allele origin: germline.
Comment: This sequence change replaces isoleucine, which is neutral and non-polar, with threonine, which is neutral and polar, at codon 5 of the VCAN protein (p.Ile5Thr). This variant is present in population databases (rs766706928, gnomAD 0.0009%). This variant has not been reported in the literature in individuals affected with VCAN-related conditions. ClinVar contains an entry for this variant (Variation ID: 1510137). An algorithm developed to predict the effect of missense changes on protein structure and function (PolyPhen-2) suggests that this variant is likely to be disruptive. In summary, the available evidence is currently insufficient to determine the role of this variant in disease. Therefore, it has been classified as a Variant of Uncertain Significance.

NM_004385.5(VCAN):c.14T>C (p.Ile5Thr)

Gene: VCAN (versican; plus strand). Cytogenetic location: 5q14.2.
Variant type: single nucleotide variant.
Coding change: c.14T>C on transcript NM_004385.5 (MANE Select); coding-DNA position 14, T replaced by C.
Protein change: p.Ile5Thr; replaces isoleucine 5 with threonine.
Molecular consequence: missense variant.
Genome position (GRCh38, 1-based): chr5:83,483,532, T>C. VCF-style: chr5-83483532-T-C. GRCh37 (hg19) VCF-style: chr5-82779351-T-C.
Other names: c.14T>C, p.Ile5Thr (NM_001126336.3, NM_001164097.2, NM_001164098.2); short protein forms I5T.
Identifiers: ClinVar variation 1510137 (VCV001510137.8), dbSNP rs766706928, ClinGen allele CA3332353.